The following is an entry in ClinVar:

ClinVar aggregate classification (germline): Uncertain significance (1 of 4 stars; one submission).

Conditions:
Compton-North congenital myopathy (CMYO12). Identifiers: Orphanet 210163, MedGen C2675527, MONDO:0012929, OMIM 612540.

Allele frequency attached by ClinVar (database versions not stated): TOPMed below 0.00001; gnomAD 0.00001; gnomAD exomes 0.00001.
gnomAD v4.1: 19 of 1,607,664 alleles (0.0012%); highest among the groups gnomAD compares: Non-Finnish European, 0.0016%; no homozygotes.

Submission:

Labcorp Genetics (formerly Invitae), Labcorp
Classification: Uncertain significance for Compton-North congenital myopathy. Last evaluated: 2022-04-13. Review status: criteria provided, single submitter. Criteria: Invitae Variant Classification Sherloc (09022015). Collection method: clinical testing. Allele origin: germline.
Comment: This sequence change replaces proline, which is neutral and non-polar, with leucine, which is neutral and non-polar, at codon 231 of the CNTN1 protein (p.Pro231Leu). This variant is not present in population databases (gnomAD no frequency). This variant has not been reported in the literature in individuals affected with CNTN1-related conditions. Advanced modeling of protein sequence and biophysical properties (such as structural, functional, and spatial information, amino acid conservation, physicochemical variation, residue mobility, and thermodynamic stability) performed at Invitae indicates that this missense variant is not expected to disrupt CNTN1 protein function. In summary, the available evidence is currently insufficient to determine the role of this variant in disease. Therefore, it has been classified as a Variant of Uncertain Significance.

NM_001843.4(CNTN1):c.692C>T (p.Pro231Leu)

Gene: CNTN1 (contactin 1; plus strand). Cytogenetic location: 12q12.
Variant type: single nucleotide variant.
Coding change: c.692C>T on transcript NM_001843.4 (MANE Select); coding-DNA position 692, C replaced by T.
Protein change: p.Pro231Leu; replaces proline 231 with leucine.
Molecular consequence: missense variant.
Genome position (GRCh38, 1-based): chr12:40,929,991, C>T. VCF-style: chr12-40929991-C-T. GRCh37 (hg19) VCF-style: chr12-41323793-C-T.
Other names: c.692C>T, p.Pro231Leu (NM_001256063.2, NM_001256064.2); c.659C>T, p.Pro220Leu (NM_175038.2); short protein forms P231L, P220L.
Identifiers: ClinVar variation 2201451 (VCV002201451.1), dbSNP rs1056506124, ClinGen allele CA235395414.